The following is an entry in ClinVar:

NM_016599.5(MYOZ2):c.1A>C (p.Met1Leu)

Gene: MYOZ2 (myozenin 2; plus strand). Cytogenetic location: 4q26.
Variant type: single nucleotide variant.
Coding change: c.1A>C on transcript NM_016599.5 (MANE Select); coding-DNA position 1, A replaced by C.
Protein change: p.Met1Leu; changes the start codon (methionine 1).
Molecular consequence: missense variant, initiator codon variant.
Genome position (GRCh38, 1-based): chr4:119,136,526, A>C. VCF-style: chr4-119136526-A-C. GRCh37 (hg19) VCF-style: chr4-120057681-A-C.
Other names: c.1A>C, p.Met1Leu (NM_001440645.1, NM_001440646.1); short protein forms M1L.
Identifiers: ClinVar variation 4116135 (VCV004116135.1).

ClinVar aggregate classification (germline): Uncertain significance (1 of 4 stars; one submission).

Conditions:
Cardiovascular phenotype. Identifiers: MedGen CN230736.

Submission:

Ambry Genetics
Classification: Uncertain significance for Cardiovascular phenotype. Last evaluated: 2025-06-16. Review status: criteria provided, single submitter. Criteria: Ambry Variant Classification Scheme 2023. Collection method: clinical testing. Allele origin: germline.
Comment: The p.M1? variant (also known as c.1A>C) is located in coding exon 1 of the MYOZ2 gene and results from an A to C substitution at nucleotide position 1. This alters the methionine residue at the initiation codon (ATG). Sequence variations that modify the initiation codon are expected to result in either loss of translation initiation, N-terminal truncation, or cause a shift in the mRNA reading frame; however, loss of function of MYOZ2 has not been established as a mechanism of disease. The evidence for this gene-disease relationship is limited; therefore, the clinical significance of this alteration is unclear.